The following is an entry in ClinVar:

ClinVar aggregate classification (germline): Uncertain significance. Review status: criteria provided, multiple submitters, no conflicts (2 of 4 stars). 2 submissions from 2 submitters: Uncertain significance (2). Last evaluated 2025-02-27.

Conditions:
Thyroid dyshormonogenesis 6 (TDH6). Also called: Genetic transient congenital hypothyroidism; HYPOTHYROIDISM, CONGENITAL, DUE TO DYSHORMONOGENESIS, 6; THYROID HORMONOGENESIS, GENETIC DEFECT IN, 6. Identifiers: Orphanet 226316, Orphanet 95716, MedGen C1846632, MONDO:0011792, OMIM 607200.

Allele frequency attached by ClinVar (database versions not stated): gnomAD 0.00001; TOPMed 0.00002.
gnomAD v4.1: 15 of 1,614,036 alleles (0.00093%); highest among the groups gnomAD compares: African/African-American, 0.0027%; no homozygotes.

Submissions (2):

Labcorp Genetics (formerly Invitae), Labcorp
Classification: Uncertain significance. Last evaluated: 2025-02-27. Review status: criteria provided, single submitter. Criteria: Invitae Variant Classification Sherloc (09022015). Collection method: clinical testing. Allele origin: germline.
Comment: This sequence change replaces arginine, which is basic and polar, with glutamine, which is neutral and polar, at codon 376 of the DUOX2 protein (p.Arg376Gln). This variant is present in population databases (rs778729877, gnomAD 0.006%). This variant has not been reported in the literature in individuals affected with DUOX2-related conditions. ClinVar contains an entry for this variant (Variation ID: 2419142). Invitae Evidence Modeling of protein sequence and biophysical properties (such as structural, functional, and spatial information, amino acid conservation, physicochemical variation, residue mobility, and thermodynamic stability) indicates that this missense variant is expected to disrupt DUOX2 protein function with a positive predictive value of 80%. This variant disrupts the p.Arg376 amino acid residue in DUOX2. Other variant(s) that disrupt this residue have been determined to be pathogenic (PMID: 16134168, 17374849). This suggests that this residue is clinically significant, and that variants that disrupt this residue are likely to be disease-causing. In summary, the available evidence is currently insufficient to determine the role of this variant in disease. Therefore, it has been classified as a Variant of Uncertain Significance.

3billion
Classification: Uncertain significance for Thyroid dyshormonogenesis 6. Last evaluated: 2023-08-28. Review status: criteria provided, single submitter. Criteria: ACMG Guidelines, 2015. Collection method: clinical testing. Allele origin: germline. Affected: yes.
Comment: The variant is observed at an extremely low frequency in the gnomAD v2.1.1 dataset (total allele frequency: 0.002%). Predicted Consequence/Location: Missense variant. The majority of the known disease-causing variants of this gene are variants expected to result in premature termination of the protein. Premature termination of the protein is a common disease-causing mechanism for this gene. A different missense change at the same codon (p.Arg376Trp) has been reported to be associated with DUOX2 related disorder (ClinVar ID: VCV000004065 /PMID: 16134168). However the evidence of pathogenicity is insufficient at this time. Therefore, this variant is classified as VUS according to the recommendation of ACMG/AMP guideline.

Literature cited by the submitters: PubMed 16134168 (cited by Labcorp Genetics (formerly Invitae), Labcorp and 3billion); PubMed 17374849 (cited by Labcorp Genetics (formerly Invitae), Labcorp).

NM_001363711.2(DUOX2):c.1127G>A (p.Arg376Gln)

Gene: DUOX2 (dual oxidase 2; minus strand). Cytogenetic location: 15q21.1.
Variant type: single nucleotide variant.
Coding change: c.1127G>A on transcript NM_001363711.2 (MANE Select); coding-DNA position 1127, G replaced by A.
Protein change: p.Arg376Gln; replaces arginine 376 with glutamine.
Molecular consequence: missense variant.
Genome position (GRCh38, 1-based): chr15:45,109,894, C>T on the plus strand (G>A on the coding strand, the complement: DUOX2 is on the minus strand). VCF-style: chr15-45109894-C-T. GRCh37 (hg19) VCF-style: chr15-45402092-C-T.
Other names: c.1127G>A, p.Arg376Gln (NM_014080.5); short protein forms R376Q.
Identifiers: ClinVar variation 2419142 (VCV002419142.6), dbSNP rs778729877, ClinGen allele CA7538747.